The following is an entry in ClinVar:

ClinVar aggregate classification (germline): Uncertain significance (1 of 4 stars; one submission).

Allele frequency attached by ClinVar (database versions not stated): gnomAD exomes 0.00001.
gnomAD v4.1: 19 of 1,556,576 alleles (0.0012%); highest among the groups gnomAD compares: Non-Finnish European, 0.0015%; no homozygotes.

Submission:

Labcorp Genetics (formerly Invitae), Labcorp
Classification: Uncertain significance. Last evaluated: 2022-04-10. Review status: criteria provided, single submitter. Criteria: Invitae Variant Classification Sherloc (09022015). Collection method: clinical testing. Allele origin: germline.
Comment: This sequence change replaces isoleucine, which is neutral and non-polar, with threonine, which is neutral and polar, at codon 289 of the ABCB6 protein (p.Ile289Thr). This variant is present in population databases (rs757287403, gnomAD 0.004%). This variant has not been reported in the literature in individuals affected with ABCB6-related conditions. Algorithms developed to predict the effect of missense changes on protein structure and function are either unavailable or do not agree on the potential impact of this missense change (SIFT: "Tolerated"; PolyPhen-2: "Probably Damaging"; Align-GVGD: "Class C0"). In summary, the available evidence is currently insufficient to determine the role of this variant in disease. Therefore, it has been classified as a Variant of Uncertain Significance.

NM_005689.4(ABCB6):c.866T>C (p.Ile289Thr)

Gene: ABCB6 (ATP binding cassette subfamily B member 6 (LAN blood group); minus strand). Cytogenetic location: 2q35.
Variant type: single nucleotide variant.
Coding change: c.866T>C on transcript NM_005689.4 (MANE Select); coding-DNA position 866, T replaced by C.
Protein change: p.Ile289Thr; replaces isoleucine 289 with threonine.
Molecular consequence: missense variant.
Genome position (GRCh38, 1-based): chr2:219,216,654, A>G on the plus strand (T>C on the coding strand, the complement: ABCB6 is on the minus strand). VCF-style: chr2-219216654-A-G. GRCh37 (hg19) VCF-style: chr2-220081376-A-G.
Other names: c.728T>C, p.Ile243Thr (NM_001349828.2); short protein forms I243T, I289T.
Identifiers: ClinVar variation 1915246 (VCV001915246.5), dbSNP rs757287403, ClinGen allele CA2119630.